The following is an entry in ClinVar:

NM_006947.4(SRP72):c.1321C>G (p.Pro441Ala)

Gene: SRP72 (signal recognition particle 72; plus strand). Cytogenetic location: 4q12.
Variant type: single nucleotide variant.
Coding change: c.1321C>G on transcript NM_006947.4 (MANE Select); coding-DNA position 1321, C replaced by G.
Protein change: p.Pro441Ala; replaces proline 441 with alanine.
Molecular consequence: missense variant. On other transcripts: non-coding transcript variant (1).
Genome position (GRCh38, 1-based): chr4:56,490,333, C>G. VCF-style: chr4-56490333-C-G. GRCh37 (hg19) VCF-style: chr4-57356499-C-G.
Other names: c.1138C>G, p.Pro380Ala (NM_001267722.2); short protein forms P380A, P441A.
Identifiers: ClinVar variation 3449431 (VCV003449431.1).

ClinVar aggregate classification (germline): Uncertain significance (1 of 4 stars; one submission).

Submission:

Ambry Genetics
Classification: Uncertain significance. Last evaluated: 2024-12-06. Review status: criteria provided, single submitter. Criteria: Ambry Variant Classification Scheme 2023. Collection method: clinical testing. Allele origin: germline.
Comment: The p.P441A variant (also known as c.1321C>G) is located in coding exon 14 of the SRP72 gene. The proline at codon 441 is replaced by alanine, an amino acid with highly similar properties. This change occurs in the first base pair of coding exon 14. This amino acid position is conserved. In addition, this alteration is predicted to be tolerated by in silico analysis. Based on the available evidence, the clinical significance of this variant remains unclear.